The following is an entry in ClinVar:

ClinVar aggregate classification (germline): Uncertain significance (1 of 4 stars; one submission).

Conditions:
Intellectual developmental disorder, autosomal dominant 6, with or without seizures. Also called: Intellectual disability, autosomal dominant 6; GRIN2B-related developmental delay, intellectual disability and autism spectrum disorder. Identifiers: Orphanet 589547, MedGen C3151411, MONDO:0013509, OMIM 613970.

Submission:

Broad Center for Mendelian Genomics, Broad Institute of MIT and Harvard
Classification: Uncertain significance for Intellectual developmental disorder, autosomal dominant 6, with or without seizures. Last evaluated: 2026-03-02. Review status: criteria provided, single submitter. Criteria: ACMG Guidelines, 2015. Collection method: research. Allele origin: germline. Inheritance: Autosomal dominant inheritance.
Comment: Trio exome analysis showed this variant to be de novo. The p.Ile730Met variant in GRIN2B has not been previously reported in the literature in individuals with neurodevelopmental disorders and was absent from large population studies. Computational prediction tools and conservation analyses do not provide strong support for or against an impact to the protein. The number of missense variants reported in GRIN2B in the general population is lower than expected, suggesting there is little benign variation in this gene and slightly increasing the possibility that a missense variant in this gene may not be tolerated. In summary, while there is some suspicion for a pathogenic role, the clinical significance of this variant is uncertain. ACMG/AMP Criteria applied: PP2, PM2_supporting, PS2_supporting (Richards 2015).

NM_000834.5(GRIN2B):c.2190C>G (p.Ile730Met)

Gene: GRIN2B (glutamate ionotropic receptor NMDA type subunit 2B; minus strand). Cytogenetic location: 12p13.1.
Variant type: single nucleotide variant.
Coding change: c.2190C>G on transcript NM_000834.5 (MANE Select); coding-DNA position 2190, C replaced by G.
Protein change: p.Ile730Met; replaces isoleucine 730 with methionine.
Molecular consequence: missense variant.
Genome position (GRCh38, 1-based): chr12:13,569,999, G>C on the plus strand (C>G on the coding strand, the complement: GRIN2B is on the minus strand). VCF-style: chr12-13569999-G-C. GRCh37 (hg19) VCF-style: chr12-13722933-G-C.
Other names: NM_000834.5:c.2190C>G; c.2190C>G, p.Ile730Met (NM_001413992.1); short protein forms I730M.
Identifiers: ClinVar variation 4819464 (VCV004819464.1).